The following is an entry in ClinVar:

ClinVar aggregate classification (germline): Uncertain significance (1 of 4 stars; one submission).

Conditions:
Charcot-Marie-Tooth disease dominant intermediate F. Identifiers: Orphanet 352670, MedGen C4749463, MONDO:0014074, OMIM 615185.

Submission:

Labcorp Genetics (formerly Invitae), Labcorp
Classification: Uncertain significance for Charcot-Marie-Tooth disease dominant intermediate F. Last evaluated: 2024-09-01. Review status: criteria provided, single submitter. Criteria: Invitae Variant Classification Sherloc (09022015). Collection method: clinical testing. Allele origin: germline.
Comment: This sequence change replaces threonine, which is neutral and polar, with alanine, which is neutral and non-polar, at codon 29 of the GNB4 protein (p.Thr29Ala). This variant is not present in population databases (gnomAD no frequency). This variant has not been reported in the literature in individuals affected with GNB4-related conditions. Invitae Evidence Modeling of protein sequence and biophysical properties (such as structural, functional, and spatial information, amino acid conservation, physicochemical variation, residue mobility, and thermodynamic stability) indicates that this missense variant is not expected to disrupt GNB4 protein function with a negative predictive value of 80%. In summary, the available evidence is currently insufficient to determine the role of this variant in disease. Therefore, it has been classified as a Variant of Uncertain Significance.

NM_021629.4(GNB4):c.85A>G (p.Thr29Ala)

Gene: GNB4 (G protein subunit beta 4; minus strand). Cytogenetic location: 3q26.33.
Variant type: single nucleotide variant.
Coding change: c.85A>G on transcript NM_021629.4 (MANE Select); coding-DNA position 85, A replaced by G.
Protein change: p.Thr29Ala; replaces threonine 29 with alanine.
Molecular consequence: missense variant.
Genome position (GRCh38, 1-based): chr3:179,420,900, T>C on the plus strand (A>G on the coding strand, the complement: GNB4 is on the minus strand). VCF-style: chr3-179420900-T-C. GRCh37 (hg19) VCF-style: chr3-179138688-T-C.
Other names: short protein forms T29A.
Identifiers: ClinVar variation 3612731 (VCV003612731.2).